The following is an entry in ClinVar:

ClinVar aggregate classification (germline): Pathogenic (1 of 4 stars; one submission).

Conditions:
Developmental and epileptic encephalopathy 94 (DEE94). Also called: Epileptic encephalopathy, childhood-onset; CHD2-Related Neurodevelopmental Disorders. Identifiers: Orphanet 1942, Orphanet 2382, MedGen C3809278, MONDO:0014150, OMIM 615369.

Submission:

Labcorp Genetics (formerly Invitae), Labcorp
Classification: Pathogenic for Developmental and epileptic encephalopathy 94. Last evaluated: 2021-03-25. Review status: criteria provided, single submitter. Criteria: Invitae Variant Classification Sherloc (09022015). Collection method: clinical testing. Allele origin: germline.
Comment: For these reasons, this variant has been classified as Pathogenic. This variant has not been reported in the literature in individuals with CHD2-related conditions. This variant is not present in population databases (ExAC no frequency). This sequence change creates a premature translational stop signal (p.Tyr596*) in the CHD2 gene. It is expected to result in an absent or disrupted protein product. Loss-of-function variants in CHD2 are known to be pathogenic (PMID: 23708187, 24207121).

Literature cited by the submitters: PubMed 23708187; PubMed 24207121.

NM_001271.4(CHD2):c.1787_1788del (p.Thr595_Tyr596insTer)

Gene: CHD2 (chromodomain helicase DNA binding protein 2; plus strand). Cytogenetic location: 15q26.1.
Variant type: Microsatellite.
Coding change: c.1787_1788del on transcript NM_001271.4 (MANE Select); coding-DNA positions 1787 to 1788, 2 bases deleted (AT; older notation c.1787_1788delAT).
Protein change: p.Thr595_Tyr596insTer.
Molecular consequence: nonsense.
Genome position (GRCh38, 1-based): chr15:92,955,490-92,955,491, AT deleted; deleting any 2 consecutive bases within chr15:92,955,488-92,955,491 gives the same sequence; the c. name uses the placement nearest the transcript's 3' end. VCF-style (leftmost placement, unchanged base first): chr15-92955487-CAT-C. GRCh37 (hg19) VCF-style: chr15-93498717-CAT-C.
Identifiers: ClinVar variation 1352740 (VCV001352740.6), dbSNP rs2141814886, ClinGen allele CA2580613335.